The following is an entry in ClinVar:

NM_001324144.2(ZNF41):c.1997C>T (p.Ala666Val)

Gene: ZNF41 (zinc finger protein 41; minus strand). Cytogenetic location: Xp11.3.
Variant type: single nucleotide variant.
Coding change: c.1997C>T on transcript NM_001324144.2 (MANE Select); coding-DNA position 1997, C replaced by T.
Protein change: p.Ala666Val; replaces alanine 666 with valine.
Molecular consequence: missense variant.
Genome position (GRCh38, 1-based): chrX:47,447,773, G>A on the plus strand (C>T on the coding strand, the complement: ZNF41 is on the minus strand). VCF-style: chrX-47447773-G-A. GRCh37 (hg19) VCF-style: chrX-47307172-G-A.
Other names: c.1739C>T, p.Ala580Val (NM_001324139.2, NM_001324141.2, NM_001324143.2 and 3 more transcripts); c.1997C>T, p.Ala666Val (NM_001324140.2, NM_001324147.2, NM_001324150.2 and 2 more transcripts); c.2003C>T, p.Ala668Val (NM_001324142.2, NM_001324148.2); c.2027C>T, p.Ala676Val (NM_001324151.2, NM_001324153.2); c.2099C>T, p.Ala700Val (NM_001324154.1); c.2123C>T, p.Ala708Val (NM_001324155.1); c.1895C>T, p.Ala632Val (NM_001324156.1); c.1889C>T, p.Ala630Val (NM_001324157.1); short protein forms A666V, A632V, A700V, A630V, A676V, A668V, A580V, A708V.
Identifiers: ClinVar variation 368361 (VCV000368361.4), dbSNP rs144970008, ClinGen allele CA10397638.

ClinVar aggregate classification (germline): Benign. Review status: criteria provided, multiple submitters, no conflicts (2 of 4 stars). 2 submissions from 2 submitters: Benign (2). Last evaluated 2016-04-28.

Conditions:
History of neurodevelopmental disorder. Identifiers: MedGen C2711754.

Allele frequency attached by ClinVar (database versions not stated): ESP Exome Variant Server 0.00151; gnomAD 0.00173; TOPMed 0.00181; ExAC 0.00284; gnomAD exomes 0.00294 and 0.00340; 1000 Genomes Project 0.00530; 1000 Genomes Project 30x 0.00541.
gnomAD v4.1: 3,938 of 1,209,939 alleles (0.33%); highest among the groups gnomAD compares: South Asian, 0.99%; 11 homozygotes.

Submissions (2):

Ambry Genetics
Classification: Benign for History of neurodevelopmental disorder. Last evaluated: 2016-04-28. Review status: criteria provided, single submitter. Criteria: Ambry Autosomal Dominant and X-Linked criteria (10/2015). Collection method: clinical testing. Allele origin: germline. Observed: 1 variant allele.
Comment: General population or subpopulation frequency is too high to be a pathogenic mutation based on disease/syndrome prevalence and penetrance

Breakthrough Genomics
Classification: Benign. Review status: criteria provided, single submitter. Criteria: ACMG Guidelines, 2015. Collection method: not provided. Allele origin: germline. Inheritance: Unknown mechanism. Affected: yes.